The following is an entry in ClinVar:

NM_177402.5(SYT2):c.848C>T (p.Thr283Met)

Gene: SYT2 (synaptotagmin 2; minus strand). Cytogenetic location: 1q32.1.
Variant type: single nucleotide variant.
Coding change: c.848C>T on transcript NM_177402.5 (MANE Select); coding-DNA position 848, C replaced by T.
Protein change: p.Thr283Met; replaces threonine 283 with methionine.
Molecular consequence: missense variant.
Genome position (GRCh38, 1-based): chr1:202,600,428, G>A on the plus strand (C>T on the coding strand, the complement: SYT2 is on the minus strand). VCF-style: chr1-202600428-G-A. GRCh37 (hg19) VCF-style: chr1-202569556-G-A.
Other names: c.848C>T, p.Thr283Met (NM_001136504.1); short protein forms T283M.
Identifiers: ClinVar variation 1390745 (VCV001390745.6), dbSNP rs199542449, ClinGen allele CA344256879.

ClinVar aggregate classification (germline): Uncertain significance (1 of 4 stars; one submission).

gnomAD v4.1: 8 of 1,614,096 alleles (0.0005%); highest among the groups gnomAD compares: Admixed American, 0.0017%; no homozygotes.

Submission:

Labcorp Genetics (formerly Invitae), Labcorp
Classification: Uncertain significance. Last evaluated: 2026-01-12. Review status: criteria provided, single submitter. Criteria: Invitae Variant Classification Sherloc (09022015). Collection method: clinical testing. Allele origin: germline.
Comment: This sequence change replaces threonine, which is neutral and polar, with methionine, which is neutral and non-polar, at codon 283 of the SYT2 protein (p.Thr283Met). This variant is not present in population databases (gnomAD no frequency). This variant has not been reported in the literature in individuals affected with SYT2-related conditions. ClinVar contains an entry for this variant (Variation ID: 1390745). Invitae Evidence Modeling of protein sequence and biophysical properties (such as structural, functional, and spatial information, amino acid conservation, physicochemical variation, residue mobility, and thermodynamic stability) indicates that this missense variant is expected to disrupt SYT2 protein function with a positive predictive value of 80%. In summary, the available evidence is currently insufficient to determine the role of this variant in disease. Therefore, it has been classified as a Variant of Uncertain Significance.